The following is an entry in ClinVar:

ClinVar aggregate classification (germline): Benign. Review status: criteria provided, single submitter (1 of 4 stars). 2 submissions from 2 submitters: Benign (1). 1 of the submissions does not count toward it. Last evaluated 2019-10-17.

Conditions:
Brain pseudoatrophy, reversible, valproate-induced, susceptibility to. Identifiers: MedGen CN069322.
Leigh syndrome (NULS). Also called: Leigh Disease; LEIGH SYNDROME, NUCLEAR; Leigh Syndrome (mtDNA deletion); Leigh's necrotizing encephalopathy; Leigh's disease; Leigh's syndrome. Identifiers: Orphanet 506, MedGen C2931891, MONDO:0009723, OMIM 256000.

Submissions (2):

Wong Mito Lab, Molecular and Human Genetics, Baylor College of Medicine
Classification: Benign for Leigh syndrome. Last evaluated: 2019-10-17. Review status: criteria provided, single submitter. Criteria: Modified ACMG Guidelines (Unpublished). Collection method: clinical testing. Allele origin: germline.
Comment: The NC_012920.1:m.8393C>T (YP_003024030.1:p.Pro10Ser) variant in MTATP8 gene is interpretated to be a Benign variant based on the modified ACMG guidelines (unpublished). This variant meets the following evidence codes: BS1, BS2

OMIM
Classification: risk factor for BRAIN PSEUDOATROPHY, REVERSIBLE, VALPROATE-INDUCED, SUSCEPTIBILITY TO. Last evaluated: 2006-11-14. Review status: no assertion criteria provided. Collection method: literature only. Allele origin: germline. Not counted in ClinVar's aggregate classification.

Literature cited by the submitters: PubMed 17101920 (cited by Wong Mito Lab, Molecular and Human Genetics, Baylor College of Medicine and OMIM); PubMed 9243242 (cited by OMIM).

NC_012920.1(MT-ATP8):m.8393C>T

Gene: MT-ATP8 (mitochondrially encoded ATP synthase 8; plus strand).
Variant type: single nucleotide variant.
Genome position: chrM-8393-C-T.
Other names: 8393C-T.
Identifiers: ClinVar variation 9638 (VCV000009638.2), dbSNP rs1556423442, ClinGen allele CA120592.